The following is an entry in ClinVar:

NM_004281.4(BAG3):c.1637A>T (p.His546Leu)

Gene: BAG3 (BAG cochaperone 3; plus strand). Cytogenetic location: 10q26.11.
Variant type: single nucleotide variant.
Coding change: c.1637A>T on transcript NM_004281.4 (MANE Select); coding-DNA position 1637, A replaced by T.
Protein change: p.His546Leu; replaces histidine 546 with leucine.
Molecular consequence: missense variant.
Genome position (GRCh38, 1-based): chr10:119,677,191, A>T. VCF-style: chr10-119677191-A-T. GRCh37 (hg19) VCF-style: chr10-121436703-A-T.
Other names: c.1637A>T (NM_004281.3); short protein forms H546L.
Identifiers: ClinVar variation 1470884 (VCV001470884.11), dbSNP rs1334550097, ClinGen allele CA378297752.

ClinVar aggregate classification (germline): Uncertain significance. Review status: criteria provided, multiple submitters, no conflicts (2 of 4 stars). 2 submissions from 2 submitters: Uncertain significance (2). Last evaluated 2025-11-22.

Conditions:
Dilated cardiomyopathy 1HH (CMD1HH). Identifiers: Orphanet 154, MedGen C3151293, MONDO:0013479, OMIM 613881.
Myofibrillar myopathy 6. Identifiers: Orphanet 199340, MedGen C2751831, MONDO:0013061, OMIM 612954.

Allele frequency attached by ClinVar (database versions not stated): gnomAD exomes below 0.00001; gnomAD 0.00001; TOPMed 0.00001.
gnomAD v4.1: 3 of 1,614,020 alleles (0.00019%); highest among the groups gnomAD compares: Admixed American, 0.005%; no homozygotes.

Submissions (2):

Labcorp Genetics (formerly Invitae), Labcorp
Classification: Uncertain significance for Dilated cardiomyopathy 1HH; Myofibrillar myopathy 6. Last evaluated: 2025-11-22. Review status: criteria provided, single submitter. Criteria: Invitae Variant Classification Sherloc (09022015). Collection method: clinical testing. Allele origin: germline.
Comment: This sequence change replaces histidine, which is basic and polar, with leucine, which is neutral and non-polar, at codon 546 of the BAG3 protein (p.His546Leu). This variant is present in population databases (no rsID available, gnomAD 0.006%). This variant has not been reported in the literature in individuals affected with BAG3-related conditions. ClinVar contains an entry for this variant (Variation ID: 1470884). Invitae Evidence Modeling of protein sequence and biophysical properties (such as structural, functional, and spatial information, amino acid conservation, physicochemical variation, residue mobility, and thermodynamic stability) indicates that this missense variant is not expected to disrupt BAG3 protein function with a negative predictive value of 80%. In summary, the available evidence is currently insufficient to determine the role of this variant in disease. Therefore, it has been classified as a Variant of Uncertain Significance.

Revvity Omics, Revvity
Classification: Uncertain significance. Last evaluated: 2019-09-09. Review status: criteria provided, single submitter. Criteria: ACMG Guidelines, 2015. Collection method: clinical testing. Allele origin: germline.